The following is an entry in ClinVar:

NM_032217.5(ANKRD17):c.1432G>A (p.Gly478Arg)

Gene: ANKRD17 (ankyrin repeat domain 17; minus strand). Cytogenetic location: 4q13.3.
Variant type: single nucleotide variant.
Coding change: c.1432G>A on transcript NM_032217.5 (MANE Select); coding-DNA position 1432, G replaced by A.
Protein change: p.Gly478Arg; replaces glycine 478 with arginine.
Molecular consequence: missense variant.
Genome position (GRCh38, 1-based): chr4:73,148,948, C>T on the plus strand (G>A on the coding strand, the complement: ANKRD17 is on the minus strand). VCF-style: chr4-73148948-C-T. GRCh37 (hg19) VCF-style: chr4-74014665-C-T.
Other names: c.1093G>A, p.Gly365Arg (NM_001286771.3); c.1432G>A, p.Gly478Arg (NM_015574.2, NM_198889.3); short protein forms G365R, G478R.
Identifiers: ClinVar variation 4101749 (VCV004101749.1).

ClinVar aggregate classification (germline): Likely pathogenic (1 of 4 stars; one submission).

Conditions:
Inborn genetic diseases. Identifiers: MedGen C0950123, MeSH D030342.

Submission:

Ambry Genetics
Classification: Likely pathogenic for Inborn genetic diseases. Last evaluated: 2025-08-27. Review status: criteria provided, single submitter. Criteria: Ambry Variant Classification Scheme 2023. Collection method: clinical testing. Allele origin: germline.
Comment: The c.1432G>A (p.G478R) alteration is located in exon 8 (coding exon 8) of the ANKRD17 gene. This alteration results from a G to A substitution at nucleotide position 1432, causing the glycine (G) at amino acid position 478 to be replaced by an arginine (R). This variant was not reported in population-based cohorts in the Genome Aggregation Database (gnomAD). This amino acid position is highly conserved in available vertebrate species. This missense alteration is located in a region that has a low rate of benign missense variation (Lek, 2016; Firth, 2009). This alteration is predicted to be deleterious by in silico analysis. Based on the available evidence, this alteration is classified as likely pathogenic.